The following is an entry in ClinVar:

ClinVar aggregate classification (germline): Uncertain significance. Review status: criteria provided, multiple submitters, no conflicts (2 of 4 stars). 4 submissions from 4 submitters: Uncertain significance (4). Last evaluated 2026-03-05.

Conditions:
PKD1-related disorder. Also called: PKD1-related condition.
Inborn genetic diseases. Identifiers: MedGen C0950123, MeSH D030342.
Polycystic kidney disease, adult type (PKD1). Also called: POLYCYSTIC KIDNEY DISEASE, ADULT, TYPE I; Polycystic Kidney Disease 1, Autosomal Dominant; Polycystic kidney disease 1; Polycystic kidney disease 1, severe; Polycystic Kidney, Autosomal Dominant; POLYCYSTIC KIDNEY DISEASE 1 WITH OR WITHOUT POLYCYSTIC LIVER DISEASE. Identifiers: MedGen C3149841, MONDO:0008263, OMIM 173900.

Allele frequency attached by ClinVar (database versions not stated): gnomAD 0.00005 and 0.00006; TOPMed 0.00006; gnomAD exomes 0.00011 and 0.00019; ExAC 0.00026.
gnomAD v4.1: 287 of 1,590,262 alleles (0.018%); highest among the groups gnomAD compares: Non-Finnish European, 0.023%; no homozygotes.

Submissions (4):

PreventionGenetics, part of Exact Sciences
Classification: Uncertain significance for PKD1-related condition. Last evaluated: 2026-03-05. Review status: criteria provided, single submitter. Criteria: ACMG Guidelines, 2015. Collection method: clinical testing. Allele origin: germline.
Comment: The PKD1 c.1348C>A variant is predicted to result in the amino acid substitution p.Pro450Thr. To our knowledge, this variant has not been reported in the literature. This variant is reported in 0.023% of alleles in individuals of European (Non-Finnish) descent in gnomAD. Although we suspect that this variant may be benign, at this time, the clinical significance of this variant is uncertain due to the absence of conclusive functional and genetic evidence.

Department of Pathology and Laboratory Medicine, Sinai Health System
Classification: Uncertain significance for Polycystic kidney disease, adult type. Last evaluated: 2024-11-14. Review status: criteria provided, single submitter. Criteria: ACMG Guidelines, 2015. Collection method: clinical testing. Allele origin: germline.

Ambry Genetics
Classification: Uncertain significance for Inborn genetic diseases. Last evaluated: 2022-10-26. Review status: criteria provided, single submitter. Criteria: Ambry Variant Classification Scheme 2023. Collection method: clinical testing. Allele origin: germline.

Athena Diagnostics
Classification: Uncertain significance. Last evaluated: 2016-11-16. Review status: criteria provided, single submitter. Criteria: Athena Diagnostics Criteria. Collection method: clinical testing. Allele origin: germline.

NM_001009944.3(PKD1):c.1348C>A (p.Pro450Thr)

Gene: PKD1 (polycystin 1, transient receptor potential channel interacting; minus strand). Cytogenetic location: 16p13.3.
Variant type: single nucleotide variant.
Coding change: c.1348C>A on transcript NM_001009944.3 (MANE Select); coding-DNA position 1348, C replaced by A.
Protein change: p.Pro450Thr; replaces proline 450 with threonine.
Molecular consequence: missense variant.
Genome position (GRCh38, 1-based): chr16:2,117,526, G>T on the plus strand (C>A on the coding strand, the complement: PKD1 is on the minus strand). VCF-style: chr16-2117526-G-T. GRCh37 (hg19) VCF-style: chr16-2167527-G-T.
Other names: c.1348C>A, p.Pro450Thr (NM_000296.4); c.1348C>A (NM_001009944.2); short protein forms P450T.
Identifiers: ClinVar variation 447970 (VCV000447970.5), dbSNP rs757107371, ClinGen allele CA7833537.